The following is an entry in ClinVar:

NM_024675.4(PALB2):c.600A>G (p.Leu200=)

Gene: PALB2 (partner and localizer of BRCA2; minus strand). Cytogenetic location: 16p12.2.
Variant type: single nucleotide variant.
Coding change: c.600A>G on transcript NM_024675.4 (MANE Select); coding-DNA position 600, A replaced by G.
Protein change: p.Leu200=; no amino-acid change (leucine 200 retained).
Molecular consequence: synonymous variant.
Genome position (GRCh38, 1-based): chr16:23,635,946, T>C on the plus strand (A>G on the coding strand, the complement: PALB2 is on the minus strand). VCF-style: chr16-23635946-T-C. GRCh37 (hg19) VCF-style: chr16-23647267-T-C.
Identifiers: ClinVar variation 484230 (VCV000484230.16), dbSNP rs1555461714, ClinGen allele CA494462090.

ClinVar aggregate classification (germline): Benign/Likely benign. Review status: criteria provided, multiple submitters, no conflicts (2 of 4 stars). 3 submissions from 3 submitters: Benign (1); Likely benign (2). Last evaluated 2025-09-03.

Conditions:
Familial cancer of breast. Also called: BREAST CANCER, FAMILIAL; Hereditary breast cancer; hereditary breast carcinoma. Identifiers: Orphanet 227535, MedGen C0346153, MONDO:0016419, OMIM 114480. Disease mechanism: loss of function.
Hereditary cancer-predisposing syndrome. Also called: Neoplastic Syndromes, Hereditary; Tumor predisposition; Hereditary Cancer Syndrome; Hereditary neoplastic syndrome. Identifiers: Orphanet 140162, MedGen C0027672, MeSH D009386, MONDO:0015356.

Submissions (3):

Labcorp Genetics (formerly Invitae), Labcorp
Classification: Likely benign for Familial cancer of breast. Last evaluated: 2025-09-03. Review status: criteria provided, single submitter. Criteria: Invitae Variant Classification Sherloc (09022015). Collection method: clinical testing. Allele origin: germline.

Myriad Genetics, Inc.
Classification: Benign for Familial cancer of breast. Last evaluated: 2025-01-10. Review status: criteria provided, single submitter. Criteria: Myriad Autosomal Dominant, Autosomal Recessive and X-Linked Classification Criteria (2023). Collection method: clinical testing. Allele origin: unknown.
Comment: This variant is considered benign. This variant is a silent/synonymous amino acid change and it is not expected to impact splicing.

Ambry Genetics
Classification: Likely benign for Hereditary cancer-predisposing syndrome. Last evaluated: 2017-05-12. Review status: criteria provided, single submitter. Criteria: Ambry Variant Classification Scheme 2023. Collection method: clinical testing. Allele origin: germline.